The following is an entry in ClinVar:

ClinVar aggregate classification (germline): Uncertain significance (1 of 4 stars; one submission).

gnomAD v4.1: 43 of 700,042 alleles (0.0061%); highest among the groups gnomAD compares: Non-Finnish European, 0.0081%; no homozygotes.

Submission:

Labcorp Genetics (formerly Invitae), Labcorp
Classification: Uncertain significance. Last evaluated: 2022-09-01. Review status: criteria provided, single submitter. Criteria: Invitae Variant Classification Sherloc (09022015). Collection method: clinical testing. Allele origin: germline.
Comment: This variant occurs in the RNU4ATAC gene, which encodes an RNA molecule that does not result in a protein product. This variant is present in population databases (no rsID available, gnomAD 0.03%). This variant has not been reported in the literature in individuals affected with RNU4ATAC-related conditions. ClinVar contains an entry for this variant (Variation ID: 1508423). Experimental studies and prediction algorithms are not available or were not evaluated, and the functional significance of this variant is currently unknown. In summary, the available evidence is currently insufficient to determine the role of this variant in disease. Therefore, it has been classified as a Variant of Uncertain Significance.

NC_000002.12:g.121531009T>G

Genes: CLASP1 (cytoplasmic linker associated protein 1; minus strand), CLASP1-AS1 (CLASP1 antisense RNA 1; plus strand), RNU4ATAC (RNA, U4atac small nuclear; plus strand). Cytogenetic location: 2q14.2.
Variant type: single nucleotide variant.
Molecular consequence: intron variant (on NM_001395891.1).
Genome position: GRCh38 VCF-style: chr2-121531009-T-G. GRCh37 (hg19) VCF-style: chr2-122288585-T-G.
Other names: c.196-684A>C (NM_001142274.2, NM_015282.3, NM_001378003.1 and 5 more transcripts).
Identifiers: ClinVar variation 1508423 (VCV001508423.3), dbSNP rs942363087, ClinGen allele CA54811054.